The following is an entry in ClinVar:

ClinVar aggregate classification (germline): Uncertain significance (1 of 4 stars; one submission).

Conditions:
Hereditary cancer-predisposing syndrome. Also called: Neoplastic Syndromes, Hereditary; Tumor predisposition; Hereditary neoplastic syndrome; Hereditary Cancer Syndrome. Identifiers: Orphanet 140162, MedGen C0027672, MeSH D009386, MONDO:0015356.

Submission:

Ambry Genetics
Classification: Uncertain significance for Hereditary cancer-predisposing syndrome. Last evaluated: 2023-01-02. Review status: criteria provided, single submitter. Criteria: Ambry Variant Classification Scheme 2023. Collection method: clinical testing. Allele origin: germline.
Comment: The p.T96S variant (also known as c.286A>T), located in coding exon 4 of the PALB2 gene, results from an A to T substitution at nucleotide position 286. The threonine at codon 96 is replaced by serine, an amino acid with similar properties. This amino acid position is conserved. In addition, this alteration is predicted to be tolerated by in silico analysis. Since supporting evidence is limited at this time, the clinical significance of this alteration remains unclear.

NM_024675.4(PALB2):c.286A>T (p.Thr96Ser)

Gene: PALB2 (partner and localizer of BRCA2; minus strand). Cytogenetic location: 16p12.2.
Variant type: single nucleotide variant.
Coding change: c.286A>T on transcript NM_024675.4 (MANE Select); coding-DNA position 286, A replaced by T.
Protein change: p.Thr96Ser; replaces threonine 96 with serine.
Molecular consequence: missense variant. On other transcripts: 5 prime UTR variant (8), intron variant (3).
Genome position (GRCh38, 1-based): chr16:23,636,260, T>A on the plus strand (A>T on the coding strand, the complement: PALB2 is on the minus strand). VCF-style: chr16-23636260-T-A. GRCh37 (hg19) VCF-style: chr16-23647581-T-A.
Other names: c.226A>T, p.Thr76Ser (NM_001407296.1); c.286A>T, p.Thr96Ser (NM_001407297.1, NM_001407298.1, NM_001407299.1 and 3 more transcripts); c.-600A>T (NM_001407304.1, NM_001407305.1, NM_001407306.1 and 5 more transcripts); c.48+4850A>T (NM_001407314.1); c.-105+4850A>T (NM_001407313.1, NM_001407312.1); short protein forms T76S, T96S.
Identifiers: ClinVar variation 2453297 (VCV002453297.2), dbSNP rs2142446940, ClinGen allele CA395138827.